The following is an entry in ClinVar:

NM_000057.4(BLM):c.1208A>C (p.Gln403Pro)

Gene: BLM (BLM RecQ like helicase; plus strand). Cytogenetic location: 15q26.1.
Variant type: single nucleotide variant.
Coding change: c.1208A>C on transcript NM_000057.4 (MANE Select); coding-DNA position 1208, A replaced by C.
Protein change: p.Gln403Pro; replaces glutamine 403 with proline.
Molecular consequence: missense variant.
Genome position (GRCh38, 1-based): chr15:90,760,267, A>C. VCF-style: chr15-90760267-A-C. GRCh37 (hg19) VCF-style: chr15-91303497-A-C.
Other names: c.1208A>C, p.Gln403Pro (NM_001287246.2, NM_001287247.2); c.83A>C, p.Gln28Pro (NM_001287248.2); short protein forms Q28P, Q403P.
Identifiers: ClinVar variation 1719474 (VCV001719474.6), dbSNP rs375342874, ClinGen allele CA393842553.

ClinVar aggregate classification (germline): Uncertain significance (1 of 4 stars; one submission).

Conditions:
Bloom syndrome (BLM). Also called: Bloom-Torre-Machacek syndrome. Identifiers: Orphanet 125, MedGen C0005859, MONDO:0008876, OMIM 210900.

Submission:

Labcorp Genetics (formerly Invitae), Labcorp
Classification: Uncertain significance for Bloom syndrome. Last evaluated: 2022-09-15. Review status: criteria provided, single submitter. Criteria: Invitae Variant Classification Sherloc (09022015). Collection method: clinical testing. Allele origin: germline.
Comment: This sequence change replaces glutamine, which is neutral and polar, with proline, which is neutral and non-polar, at codon 403 of the BLM protein (p.Gln403Pro). In summary, the available evidence is currently insufficient to determine the role of this variant in disease. Therefore, it has been classified as a Variant of Uncertain Significance. Advanced modeling of protein sequence and biophysical properties (such as structural, functional, and spatial information, amino acid conservation, physicochemical variation, residue mobility, and thermodynamic stability) performed at Invitae indicates that this missense variant is not expected to disrupt BLM protein function. This variant has not been reported in the literature in individuals affected with BLM-related conditions. This variant is not present in population databases (gnomAD no frequency).